The following is an entry in ClinVar:

NM_001267550.2(TTN):c.90739del (p.Asp30247fs)

Genes: TTN-AS1 (TTN antisense RNA 1; plus strand), TTN (titin; minus strand). Cytogenetic location: 2q31.2.
Variant type: Deletion.
Coding change: c.90739del on transcript NM_001267550.2 (MANE Select); coding-DNA position 90739, one base deleted (G; older notation c.90739delG).
Protein change: p.Asp30247fs; shifts the reading frame from aspartic acid 30247.
Molecular consequence: frameshift variant.
Genome position (GRCh38, 1-based): chr2:178,552,161, C deleted on the plus strand (G on the coding strand, the reverse complement: TTN is on the minus strand); the first of 3 consecutive C bases (chr2:178,552,161-178,552,163); deleting any one gives the same sequence. VCF-style (leftmost placement, unchanged base first): chr2-178552160-TC-T. GRCh37 (hg19) VCF-style: chr2-179416887-TC-T.
Other names: c.85816del, p.Asp28606fs (NM_001256850.1); c.63544del, p.Asp21182fs (NM_003319.4); c.83035del, p.Asp27679fs (NM_133378.4); c.63919del, p.Asp21307fs (NM_133432.3); c.64120del, p.Asp21374fs (NM_133437.4); short protein forms D21374fs, D21182fs, D28606fs, D30247fs, D21307fs, D27679fs.
Identifiers: ClinVar variation 2941739 (VCV002941739.3), dbSNP rs2469280112, ClinGen allele CA2740095992.

ClinVar aggregate classification (germline): Likely pathogenic (1 of 4 stars; one submission).

Conditions:
Dilated cardiomyopathy 1G (CMD1G). Identifiers: Orphanet 154, MedGen C1858763, MONDO:0011400, OMIM 604145.
Autosomal recessive limb-girdle muscular dystrophy type 2J (LGMDR10). Also called: Limb-girdle muscular dystrophy, type 2J; MUSCULAR DYSTROPHY, LIMB-GIRDLE, AUTOSOMAL RECESSIVE 10. Identifiers: Orphanet 140922, MedGen C1837342, MONDO:0012127, OMIM 608807.

Submission:

Labcorp Genetics (formerly Invitae), Labcorp
Classification: Likely pathogenic for Dilated cardiomyopathy 1G; Autosomal recessive limb-girdle muscular dystrophy type 2J. Last evaluated: 2022-11-23. Review status: criteria provided, single submitter. Criteria: Invitae Variant Classification Sherloc (09022015). Collection method: clinical testing. Allele origin: germline.
Comment: This sequence change creates a premature translational stop signal (p.Asp30247Metfs*43) in the TTN gene. While this is not anticipated to result in nonsense mediated decay, it is expected to create a truncated TTN protein. This variant is not present in population databases (gnomAD no frequency). This variant has not been reported in the literature in individuals affected with TTN-related conditions. This variant is located in the A band of TTN (PMID: 25589632). Truncating variants in this region are significantly overrepresented in patients affected with dilated cardiomyopathy (PMID: 25589632). Truncating variants in this region have also been reported in individuals affected with autosomal recessive centronuclear myopathy (PMID: 23975875). In summary, the currently available evidence indicates that the variant is pathogenic, but additional data are needed to prove that conclusively. Therefore, this variant has been classified as Likely Pathogenic.

Literature cited by the submitters: PubMed 25589632; PubMed 23975875.